The following is an entry in ClinVar:

NM_002439.5(MSH3):c.260_263del (p.Lys87fs)

Gene: MSH3 (mutS homolog 3; plus strand). Cytogenetic location: 5q14.1.
Variant type: Microsatellite.
Coding change: c.260_263del on transcript NM_002439.5 (MANE Select); coding-DNA positions 260 to 263, 4 bases deleted (AGAA; older notation c.260_263delAGAA).
Protein change: p.Lys87fs; shifts the reading frame from lysine 87.
Molecular consequence: frameshift variant.
Genome position (GRCh38, 1-based): chr5:80,656,433-80,656,436, AGAA deleted; deleting any 4 consecutive bases within chr5:80,656,428-80,656,436 gives the same sequence; the c. name uses the placement nearest the transcript's 3' end. VCF-style (leftmost placement, unchanged base first): chr5-80656427-GAAGA-G. GRCh37 (hg19) VCF-style: chr5-79952246-GAAGA-G.
Other names: short protein forms K87fs.
Identifiers: ClinVar variation 864272 (VCV000864272.13), dbSNP rs756190979, ClinGen allele CA3327552.

ClinVar aggregate classification (germline): Pathogenic/Likely pathogenic. Review status: criteria provided, multiple submitters, no conflicts (2 of 4 stars). 4 submissions from 4 submitters: Pathogenic (3); Likely pathogenic (1). Last evaluated 2025-11-10.

Conditions:
Familial adenomatous polyposis 4 (FAP4). Also called: MSH3-related attenuated familial adenomatous polyposis. Identifiers: Orphanet 480536, MedGen C4310719, MONDO:0044300, OMIM 617100.
Hereditary cancer-predisposing syndrome. Also called: Hereditary Cancer Syndrome; Tumor predisposition; Neoplastic Syndromes, Hereditary; Hereditary neoplastic syndrome. Identifiers: Orphanet 140162, MedGen C0027672, MeSH D009386, MONDO:0015356.
Endometrial carcinoma. Also called: Endometrial carcinoma, somatic. Identifiers: MedGen C0476089, MONDO:0002447, OMIM 608089, HP:0012114.

Submissions (4):

Labcorp Genetics (formerly Invitae), Labcorp
Classification: Pathogenic. Last evaluated: 2025-11-10. Review status: criteria provided, single submitter. Criteria: Invitae Variant Classification Sherloc (09022015). Collection method: clinical testing. Allele origin: germline.
Comment: This sequence change creates a premature translational stop signal (p.Lys87Argfs*14) in the MSH3 gene. It is expected to result in an absent or disrupted protein product. Loss-of-function variants in MSH3 are known to be pathogenic (PMID: 27476653, 37402566). This variant is present in population databases (rs756190979, gnomAD 0.0009%). This variant has not been reported in the literature in individuals affected with MSH3-related conditions. ClinVar contains an entry for this variant (Variation ID: 864272). For these reasons, this variant has been classified as Pathogenic.

Ambry Genetics
Classification: Pathogenic for Hereditary cancer-predisposing syndrome. Last evaluated: 2025-11-04. Review status: criteria provided, single submitter. Criteria: Ambry Variant Classification Scheme 2023. Collection method: clinical testing. Allele origin: germline.
Comment: The c.260_263delAGAA pathogenic mutation, located in coding exon 2 of the MSH3 gene, results from a deletion of 4 nucleotides at nucleotide positions 260 to 263, causing a translational frameshift with a predicted alternate stop codon (p.K87Rfs*14). This alteration is expected to result in loss of function by premature protein truncation or nonsense-mediated mRNA decay. As such, this alteration is interpreted as a disease-causing mutation.

Myriad Genetics, Inc.
Classification: Pathogenic for Familial adenomatous polyposis 4. Last evaluated: 2023-08-29. Review status: criteria provided, single submitter. Criteria: Myriad Autosomal Dominant, Autosomal Recessive and X-Linked Classification Criteria (2023). Collection method: clinical testing. Allele origin: unknown.
Comment: This variant is considered pathogenic. This variant creates a frameshift predicted to result in premature protein truncation.

Baylor Genetics
Classification: Likely pathogenic for Endometrial carcinoma. Last evaluated: 2021-12-22. Review status: criteria provided, single submitter. Criteria: ACMG Guidelines, 2015. Collection method: clinical testing. Allele origin: unknown.

Literature cited by the submitters: PubMed 27476653 (cited by Labcorp Genetics (formerly Invitae), Labcorp); PubMed 37402566 (cited by Labcorp Genetics (formerly Invitae), Labcorp).